The following is an entry in ClinVar:

NM_174936.4(PCSK9):c.126G>T (p.Val42=)

Gene: PCSK9 (proprotein convertase subtilisin/kexin type 9; plus strand). Cytogenetic location: 1p32.3.
Variant type: single nucleotide variant.
Coding change: c.126G>T on transcript NM_174936.4 (MANE Select); coding-DNA position 126, G replaced by T.
Protein change: p.Val42=; no amino-acid change (valine 42 retained).
Molecular consequence: synonymous variant.
Genome position (GRCh38, 1-based): chr1:55,039,963, G>T. VCF-style: chr1-55039963-G-T. GRCh37 (hg19) VCF-style: chr1-55505636-G-T.
Identifiers: ClinVar variation 536213 (VCV000536213.26), dbSNP rs374142123, ClinGen allele CA036173.

ClinVar aggregate classification (germline): Likely benign. Review status: criteria provided, multiple submitters, no conflicts (2 of 4 stars). 7 submissions from 7 submitters: Likely benign (7). Last evaluated 2025-12-14.

Conditions:
Hypercholesterolemia, autosomal dominant, 3 (FHCL3). Also called: Familial Hypercholesterolemia, Autosomal Dominant, 3; PCSK9-Related Familial Hypercholesterolemia, Autosomal Dominant; Familial hypercholesterolemia 3. Identifiers: MedGen C1863551, MONDO:0011369, OMIM 603776.
Cardiovascular phenotype. Identifiers: MedGen CN230736.
Familial hypercholesterolemia. Also called: Familial hypercholesterolemias; Familial hypercholesterolaemia. Identifiers: MedGen C0020445, MONDO:0005439.

Allele frequency attached by ClinVar (database versions not stated): gnomAD 0.00004; gnomAD exomes 0.00004; TOPMed 0.00004; ExAC 0.00010.

Submissions (7):

Labcorp Genetics (formerly Invitae), Labcorp
Classification: Likely benign for Hypercholesterolemia, autosomal dominant, 3. Last evaluated: 2025-12-14. Review status: criteria provided, single submitter. Criteria: Invitae Variant Classification Sherloc (09022015). Collection method: clinical testing. Allele origin: germline.

Women's Health and Genetics/Laboratory Corporation of America, LabCorp
Classification: Likely benign. Last evaluated: 2025-07-21. Review status: criteria provided, single submitter. Criteria: LabCorp Variant Classification Summary - May 2015. Collection method: clinical testing. Allele origin: germline.

CeGaT Center for Human Genetics Tuebingen
Classification: Likely benign. Last evaluated: 2025-06-01. Review status: criteria provided, single submitter. Criteria: CeGaT Center For Human Genetics Tuebingen Variant Classification Criteria Version 2. Collection method: clinical testing. Allele origin: germline. Affected: yes. Observed: 1 variant allele.
Comment: PCSK9: BP4, BP7

All of Us Research Program, National Institutes of Health
Classification: Likely benign for Hypercholesterolemia, autosomal dominant, 3. Last evaluated: 2023-11-20. Review status: criteria provided, single submitter. Criteria: ACMG Guidelines, 2015. Collection method: clinical testing. Allele origin: germline. Inheritance: Autosomal dominant inheritance. Observed: 10 variant alleles, 10 heterozygotes.
Comment: This study involves interpretation of variants in research participants for the purpose of population health screening. Participant phenotype was not available at the time of variant classification. Additional details can be found in publication PMID: 35346344, PMCID: PMC8962531

Blueprint Genetics
Classification: Likely benign. Last evaluated: 2022-12-30. Review status: criteria provided, single submitter. Criteria: ACMG Guidelines, 2015. Collection method: clinical testing. Allele origin: germline.

Ambry Genetics
Classification: Likely benign for Cardiovascular phenotype. Last evaluated: 2020-04-23. Review status: criteria provided, single submitter. Criteria: Ambry Variant Classification Scheme 2023. Collection method: clinical testing. Allele origin: germline.

Color Diagnostics, LLC DBA Color Health
Classification: Likely benign for Familial hypercholesterolemias. Last evaluated: 2018-09-29. Review status: criteria provided, single submitter. Criteria: ACMG Guidelines, 2015. Collection method: clinical testing. Allele origin: germline.